The following is an entry in ClinVar:

ClinVar aggregate classification (germline): Uncertain significance (1 of 4 stars; one submission).

Submission:

GeneDx
Classification: Uncertain significance. Last evaluated: 2023-09-14. Review status: criteria provided, single submitter. Criteria: GeneDx Variant Classification Process June 2021. Collection method: clinical testing. Allele origin: germline. Affected: yes.
Comment: Has not been previously published as pathogenic or benign to our knowledge; Nonsense variant predicted to result in protein truncation or nonsense mediated decay in a gene or region of a gene for which loss of function is not a well-established mechanism of disease; Not observed at significant frequency in large population cohorts (gnomAD); Variants in candidate genes are classified as variants of uncertain significance in accordance with ACMG guidelines (Richards et al., 2015)

NM_001003699.4(RREB1):c.1174C>T (p.Gln392Ter)

Gene: RREB1 (ras responsive element binding protein 1; plus strand). Cytogenetic location: 6p24.3.
Variant type: single nucleotide variant.
Coding change: c.1174C>T on transcript NM_001003699.4 (MANE Select); coding-DNA position 1174, C replaced by T.
Protein change: p.Gln392Ter; replaces glutamine 392 with a stop codon.
Molecular consequence: nonsense.
Genome position (GRCh38, 1-based): chr6:7,229,273, C>T. VCF-style: chr6-7229273-C-T. GRCh37 (hg19) VCF-style: chr6-7229506-C-T.
Other names: c.1174C>T, p.Gln392Ter (NM_001003698.4, NM_001003700.2, NM_001168344.2); short protein forms Q392*.
Identifiers: ClinVar variation 4055808 (VCV004055808.1).